The following is an entry in ClinVar:

NM_001851.6(COL9A1):c.746G>C (p.Arg249Thr)

Gene: COL9A1 (collagen type IX alpha 1 chain; minus strand). Cytogenetic location: 6q13.
Variant type: single nucleotide variant.
Coding change: c.746G>C on transcript NM_001851.6 (MANE Select); coding-DNA position 746, G replaced by C.
Protein change: p.Arg249Thr; replaces arginine 249 with threonine.
Molecular consequence: missense variant.
Genome position (GRCh38, 1-based): chr6:70,283,771, C>G on the plus strand (G>C on the coding strand, the complement: COL9A1 is on the minus strand). VCF-style: chr6-70283771-C-G. GRCh37 (hg19) VCF-style: chr6-70993474-C-G.
Other names: c.746G>C, p.Arg249Thr (NM_001377291.1); short protein forms R249T.
Identifiers: ClinVar variation 2114264 (VCV002114264.2), dbSNP rs2483472313, ClinGen allele CA364667202.
Genomic context (GRCh38, chr6:70,283,771, plus strand): 5'-CCTTTGCAGGTAGTCAGGGGACTCACCGTTATTCTGGCTGGCAGCTCATGGCAAGTTTCT[C>G]TCCTGGGCCGCAGGGGGTCACAATGGATCAGCATCCATTGAAGTTCAAACTGGAGAAAGG-3'
Protein context (NP_001842.3, residues 239-259): LIHCDPLRPR[Arg249Thr]ETCHELPARI

ClinVar aggregate classification (germline): Uncertain significance (1 of 4 stars; one submission).

Submission:

Labcorp Genetics (formerly Invitae), Labcorp
Classification: Uncertain significance. Last evaluated: 2022-10-05. Review status: criteria provided, single submitter. Criteria: Invitae Variant Classification Sherloc (09022015). Collection method: clinical testing. Allele origin: germline.
Comment: In summary, the available evidence is currently insufficient to determine the role of this variant in disease. Therefore, it has been classified as a Variant of Uncertain Significance. Advanced modeling of protein sequence and biophysical properties (such as structural, functional, and spatial information, amino acid conservation, physicochemical variation, residue mobility, and thermodynamic stability) performed at Invitae indicates that this missense variant is not expected to disrupt COL9A1 protein function. This variant has not been reported in the literature in individuals affected with COL9A1-related conditions. This variant is not present in population databases (gnomAD no frequency). This sequence change replaces arginine, which is basic and polar, with threonine, which is neutral and polar, at codon 249 of the COL9A1 protein (p.Arg249Thr).